The following is an entry in ClinVar:

NM_001042631.3(SDHAF1):c.-37C>T

Gene: SDHAF1 (succinate dehydrogenase complex assembly factor 1; plus strand). Cytogenetic location: 19q13.12.
Variant type: single nucleotide variant.
Coding change: c.-37C>T on transcript NM_001042631.3 (MANE Select); 37 bases upstream of the start codon, C replaced by T.
Molecular consequence: 5 prime UTR variant.
Genome position (GRCh38, 1-based): chr19:35,995,238, C>T. VCF-style: chr19-35995238-C-T. GRCh37 (hg19) VCF-style: chr19-36486140-C-T.
Identifiers: ClinVar variation 381074 (VCV000381074.1), dbSNP rs773661795, ClinGen allele CA9393654.
Genomic context (GRCh38, chr19:35,995,238, plus strand): 5'-GGAAGTGGCTGTGGCTTTGCCCTTTGGCCTTTGCTGGCTGTGTGGCGGCTCCGCGGTTCG[C>T]AGGTCGTTCGCTGAGCGTCTCTGCTTAGCCGCGGTCATGAGCCGGCACAGCCGGCTGCAG-3'

ClinVar aggregate classification (germline): Likely benign (1 of 4 stars; one submission).

Allele frequency attached by ClinVar (database versions not stated): ExAC below 0.00001; gnomAD 0.00011; TOPMed 0.00016; gnomAD exomes 0.00021 and 0.00026.

Submission:

GeneDx
Classification: Likely benign. Last evaluated: 2016-12-15. Review status: criteria provided, single submitter. Criteria: GeneDx Variant Classification (06012015). Collection method: clinical testing. Allele origin: germline. Affected: yes.
Comment: This variant is considered likely benign or benign based on one or more of the following criteria: it is a conservative change, it occurs at a poorly conserved position in the protein, it is predicted to be benign by multiple in silico algorithms, and/or has population frequency not consistent with disease.